The following is an entry in ClinVar:

ClinVar aggregate classification (germline): Uncertain significance (1 of 4 stars; one submission).

gnomAD v4.1: 2 of 1,611,188 alleles (0.00012%); highest among the groups gnomAD compares: Non-Finnish European, 0.00017%; no homozygotes.

Submission:

Women's Health and Genetics/Laboratory Corporation of America, LabCorp
Classification: Uncertain significance. Last evaluated: 2026-03-16. Review status: criteria provided, single submitter. Criteria: LabCorp Variant Classification Summary - May 2015. Collection method: clinical testing. Allele origin: germline.
Comment: Variant summary: ADGRV1 c.2830C>A (p.Gln944Lys) results in a conservative amino acid change in the encoded protein sequence. Algorithms developed to predict the effect of missense changes on protein structure and function are either unavailable or do not agree on the potential impact of this missense change. The variant was absent in 247626 control chromosomes. The available data on variant occurrences in the general population are insufficient to allow any conclusion about variant significance. To our knowledge, no occurrence of c.2830C>A in individuals affected with ADGRV1-related conditions and no experimental evidence demonstrating its impact on protein function have been reported. No submitters have cited clinical-significance assessments for this variant to ClinVar. Based on the evidence outlined above, the variant was classified as uncertain significance.

NM_032119.4(ADGRV1):c.2830C>A (p.Gln944Lys)

Gene: ADGRV1 (adhesion G protein-coupled receptor V1; plus strand). Cytogenetic location: 5q14.3.
Variant type: single nucleotide variant.
Coding change: c.2830C>A on transcript NM_032119.4 (MANE Select); coding-DNA position 2830, C replaced by A.
Protein change: p.Gln944Lys; replaces glutamine 944 with lysine.
Molecular consequence: missense variant. On other transcripts: non-coding transcript variant (1).
Genome position (GRCh38, 1-based): chr5:90,644,801, C>A. VCF-style: chr5-90644801-C-A. GRCh37 (hg19) VCF-style: chr5-89940618-C-A.
Other names: short protein forms Q944K.
Identifiers: ClinVar variation 4847201 (VCV004847201.1).